The following is an entry in ClinVar:

NM_018127.7(ELAC2):c.1659G>A (p.Thr553=)

Gene: ELAC2 (elaC ribonuclease Z 2; minus strand). Cytogenetic location: 17p12.
Variant type: single nucleotide variant.
Coding change: c.1659G>A on transcript NM_018127.7 (MANE Select); coding-DNA position 1659, G replaced by A.
Protein change: p.Thr553=; no amino-acid change (threonine 553 retained).
Molecular consequence: synonymous variant.
Genome position (GRCh38, 1-based): chr17:12,996,547, C>T on the plus strand (G>A on the coding strand, the complement: ELAC2 is on the minus strand). VCF-style: chr17-12996547-C-T. GRCh37 (hg19) VCF-style: chr17-12899864-C-T.
Other names: c.1539G>A, p.Thr513= (NM_001165962.2); c.1656G>A, p.Thr552= (NM_173717.2).
Identifiers: ClinVar variation 241273 (VCV000241273.6), dbSNP rs200420215, ClinGen allele CA8401130.

ClinVar aggregate classification (germline): Uncertain significance. Review status: criteria provided, multiple submitters, no conflicts (2 of 4 stars). 2 submissions from 2 submitters: Uncertain significance (2). Last evaluated 2023-12-11.

Conditions:
Combined oxidative phosphorylation defect type 17. Also called: Combined oxidative phosphorylation deficiency 17. Identifiers: Orphanet 369913, MedGen C3809526, MONDO:0014190, OMIM 615440.

Allele frequency attached by ClinVar (database versions not stated): ESP Exome Variant Server 0.00015; gnomAD 0.00032; TOPMed 0.00032.
gnomAD v4.1: 115 of 1,613,740 alleles (0.0071%); highest among the groups gnomAD compares: African/African-American, 0.11%; no homozygotes.

Submissions (2):

Labcorp Genetics (formerly Invitae), Labcorp
Classification: Uncertain significance for Combined oxidative phosphorylation defect type 17. Last evaluated: 2023-12-11. Review status: criteria provided, single submitter. Criteria: Invitae Variant Classification Sherloc (09022015). Collection method: clinical testing. Allele origin: germline.
Comment: This sequence change affects codon 553 of the ELAC2 mRNA. It is a 'silent' change, meaning that it does not change the encoded amino acid sequence of the ELAC2 protein. This variant also falls at the last nucleotide of exon 17, which is part of the consensus splice site for this exon. This variant is present in population databases (rs200420215, gnomAD 0.1%). This variant has not been reported in the literature in individuals affected with ELAC2-related conditions. ClinVar contains an entry for this variant (Variation ID: 241273). Variants that disrupt the consensus splice site are a relatively common cause of aberrant splicing (PMID: 17576681, 9536098). Algorithms developed to predict the effect of sequence changes on RNA splicing suggest that this variant is not likely to affect RNA splicing. In summary, the available evidence is currently insufficient to determine the role of this variant in disease. Therefore, it has been classified as a Variant of Uncertain Significance.

Breakthrough Genomics
Classification: Uncertain significance. Review status: criteria provided, single submitter. Criteria: ACMG Guidelines, 2015. Collection method: not provided. Allele origin: germline. Inheritance: Autosomal recessive inheritance. Affected: yes.

Literature cited by the submitters: PubMed 17576681 (cited by Labcorp Genetics (formerly Invitae), Labcorp); PubMed 9536098 (cited by Labcorp Genetics (formerly Invitae), Labcorp).